The following is an entry in ClinVar:

ClinVar aggregate classification (germline): Benign/Likely benign. Review status: criteria provided, multiple submitters, no conflicts (2 of 4 stars). 3 submissions from 3 submitters: Benign (1); Likely benign (2). Last evaluated 2026-01-25.

Conditions:
Hypotrichosis 6 (HYPT6). Also called: HYPOTRICHOSIS, LOCALIZED, AUTOSOMAL RECESSIVE 1; MONILETHRIX-LIKE HYPOTRICHOSIS. Identifiers: Orphanet 55654, MedGen C1842839, MONDO:0011932, OMIM 607903.

Allele frequency attached by ClinVar (database versions not stated): gnomAD exomes 0.00143; ExAC 0.00180; 1000 Genomes Project 30x 0.00453; 1000 Genomes Project 0.00479; TOPMed 0.00589; ESP Exome Variant Server 0.00608.
gnomAD v4.1: 1,635 of 1,613,476 alleles (0.1%); highest among the groups gnomAD compares: African/African-American, 1.9%; 14 homozygotes.

Submissions (3):

Labcorp Genetics (formerly Invitae), Labcorp
Classification: Benign. Last evaluated: 2026-01-25. Review status: criteria provided, single submitter. Criteria: Invitae Variant Classification Sherloc (09022015). Collection method: clinical testing. Allele origin: germline.

Illumina Laboratory Services, Illumina
Classification: Likely benign for Hypotrichosis 6. Last evaluated: 2018-01-13. Review status: criteria provided, single submitter. Criteria: ICSL Variant Classification Criteria 13 December 2019. Collection method: clinical testing. Allele origin: germline.
Comment: This variant was observed in the ICSL laboratory as part of a predisposition screen in an ostensibly healthy population. It had not been previously curated by ICSL or reported in the Human Gene Mutation Database (HGMD: prior to June 1st, 2018), and was therefore a candidate for classification through an automated scoring system. Utilizing variant allele frequency, disease prevalence and penetrance estimates, and inheritance mode, an automated score was calculated to assess if this variant is too frequent to cause the disease. Based on the score and internal cut-off values, a variant classified as likely benign is not then subjected to further curation. The score for this variant resulted in a classification of likely benign for this disease.

Breakthrough Genomics
Classification: Likely benign. Review status: criteria provided, single submitter. Criteria: ACMG Guidelines, 2015. Collection method: not provided. Allele origin: germline. Inheritance: Autosomal recessive inheritance. Affected: yes.

NM_177986.5(DSG4):c.460G>A (p.Ala154Thr)

Genes: DSG4 (desmoglein 4; plus strand), DSG1-AS1 (DSG1 antisense RNA 1; minus strand). Cytogenetic location: 18q12.1.
Variant type: single nucleotide variant.
Coding change: c.460G>A on transcript NM_177986.5 (MANE Select); coding-DNA position 460, G replaced by A.
Protein change: p.Ala154Thr; replaces alanine 154 with threonine.
Molecular consequence: missense variant.
Genome position (GRCh38, 1-based): chr18:31,388,961, G>A. VCF-style: chr18-31388961-G-A. GRCh37 (hg19) VCF-style: chr18-28968924-G-A.
Other names: c.460G>A, p.Ala154Thr (NM_001134453.3); short protein forms A154T.
Identifiers: ClinVar variation 777289 (VCV000777289.13), dbSNP rs13381457, ClinGen allele CA8926726.